The following is an entry in ClinVar:

NM_005876.5(SPEG):c.626C>G (p.Pro209Arg)

Gene: SPEG (striated muscle enriched protein kinase; plus strand). Cytogenetic location: 2q35.
Variant type: single nucleotide variant.
Coding change: c.626C>G on transcript NM_005876.5 (MANE Select); coding-DNA position 626, C replaced by G.
Protein change: p.Pro209Arg; replaces proline 209 with arginine.
Molecular consequence: missense variant.
Genome position (GRCh38, 1-based): chr2:219,444,972, C>G. VCF-style: chr2-219444972-C-G. GRCh37 (hg19) VCF-style: chr2-220309694-C-G.
Other names: short protein forms P209R.
Identifiers: ClinVar variation 1501333 (VCV001501333.4), dbSNP rs773788051, ClinGen allele CA350711558.

ClinVar aggregate classification (germline): Uncertain significance (1 of 4 stars; one submission).

gnomAD v4.1: 5 of 1,606,696 alleles (0.00031%); highest among the groups gnomAD compares: South Asian, 0.0011%; no homozygotes.

Submission:

Labcorp Genetics (formerly Invitae), Labcorp
Classification: Uncertain significance. Last evaluated: 2022-08-09. Review status: criteria provided, single submitter. Criteria: Invitae Variant Classification Sherloc (09022015). Collection method: clinical testing. Allele origin: germline.
Comment: Algorithms developed to predict the effect of missense changes on protein structure and function are either unavailable or do not agree on the potential impact of this missense change (SIFT: "Deleterious"; PolyPhen-2: "Benign"; Align-GVGD: "Class C0"). In summary, the available evidence is currently insufficient to determine the role of this variant in disease. Therefore, it has been classified as a Variant of Uncertain Significance. ClinVar contains an entry for this variant (Variation ID: 1501333). This variant has not been reported in the literature in individuals affected with SPEG-related conditions. This variant is present in population databases (no rsID available, gnomAD 0.001%). This sequence change replaces proline, which is neutral and non-polar, with arginine, which is basic and polar, at codon 209 of the SPEG protein (p.Pro209Arg).